The following is an entry in ClinVar:

NM_002224.4(ITPR3):c.3302C>T (p.Ala1101Val)

Gene: ITPR3 (inositol 1,4,5-trisphosphate receptor type 3; plus strand). Cytogenetic location: 6p21.31.
Variant type: single nucleotide variant.
Coding change: c.3302C>T on transcript NM_002224.4 (MANE Select); coding-DNA position 3302, C replaced by T.
Protein change: p.Ala1101Val; replaces alanine 1101 with valine.
Molecular consequence: missense variant.
Genome position (GRCh38, 1-based): chr6:33,676,787, C>T. VCF-style: chr6-33676787-C-T. GRCh37 (hg19) VCF-style: chr6-33644564-C-T.
Other names: short protein forms A1101V.
Identifiers: ClinVar variation 4040448 (VCV004040448.2).
Genomic context (GRCh38, chr6:33,676,787, plus strand): 5'-TGGAGCCCATCTCACCAGCCAGGCCCATCCTCCACCTTCAGGTTCAGCTGCTGATCTCAG[C>T]GCAGGACGTGGAGAACTACAAGGTGATCAAGTCGGAGCTGGACCGGCTGCGGACCATGGT-3'
Protein context (NP_002215.2, residues 1091-1111): TFKQVQLLIS[Ala1101Val]QDVENYKVIK

ClinVar aggregate classification (germline): Conflicting classifications of pathogenicity. Review status: criteria provided, conflicting classifications (1 of 4 stars). 2 submissions from 2 submitters: Uncertain significance (1); Likely benign (1). Last evaluated 2026-03-26.

Conditions:
ITPR3-related disorder. Also called: ITPR3-related condition.

gnomAD v4.1: 135 of 1,614,132 alleles (0.0084%); highest among the groups gnomAD compares: African/African-American, 0.15%; no homozygotes.

Submissions (2):

PreventionGenetics, part of Exact Sciences
Classification: Likely benign for ITPR3-related condition. Last evaluated: 2026-03-26. Review status: criteria provided, single submitter. Criteria: ACMG Guidelines, 2015. Collection method: clinical testing. Allele origin: germline.
Comment: This variant is classified as likely benign based on ACMG/AMP sequence variant interpretation guidelines (Richards et al. 2015 PMID: 25741868, with internal and published modifications).

Ambry Genetics
Classification: Uncertain significance. Last evaluated: 2025-04-03. Review status: criteria provided, single submitter. Criteria: Ambry Variant Classification Scheme 2023. Collection method: clinical testing. Allele origin: germline.